The following is an entry in ClinVar:

ClinVar aggregate classification (germline): Likely benign. Review status: criteria provided, multiple submitters, no conflicts (2 of 4 stars). 2 submissions from 2 submitters: Likely benign (2). Last evaluated 2024-07-01.

Conditions:
Dilated cardiomyopathy 1G (CMD1G). Identifiers: Orphanet 154, MedGen C1858763, MONDO:0011400, OMIM 604145.
Autosomal recessive limb-girdle muscular dystrophy type 2J (LGMDR10). Also called: Limb-girdle muscular dystrophy, type 2J; MUSCULAR DYSTROPHY, LIMB-GIRDLE, AUTOSOMAL RECESSIVE 10. Identifiers: Orphanet 140922, MedGen C1837342, MONDO:0012127, OMIM 608807.

Allele frequency attached by ClinVar (database versions not stated): ExAC 0.00001; gnomAD 0.00001; TOPMed 0.00001; 1000 Genomes Project 30x 0.00016; 1000 Genomes Project 0.00020.
gnomAD v4.1: 8 of 1,613,754 alleles (0.0005%); highest among the groups gnomAD compares: East Asian, 0.0022%; no homozygotes.

Submissions (2):

CeGaT Center for Human Genetics Tuebingen
Classification: Likely benign. Last evaluated: 2024-07-01. Review status: criteria provided, single submitter. Criteria: CeGaT Center For Human Genetics Tuebingen Variant Classification Criteria Version 2. Collection method: clinical testing. Allele origin: germline. Affected: yes. Observed: 1 variant allele.
Comment: TTN: BP4, BP7

Labcorp Genetics (formerly Invitae), Labcorp
Classification: Likely benign for Dilated cardiomyopathy 1G; Autosomal recessive limb-girdle muscular dystrophy type 2J. Last evaluated: 2023-08-17. Review status: criteria provided, single submitter. Criteria: Invitae Variant Classification Sherloc (09022015). Collection method: clinical testing. Allele origin: germline.

NM_001267550.2(TTN):c.11028G>A (p.Thr3676=)

Gene: TTN (titin; minus strand). Cytogenetic location: 2q31.2.
Variant type: single nucleotide variant.
Coding change: c.11028G>A on transcript NM_001267550.2 (MANE Select); coding-DNA position 11028, G replaced by A.
Protein change: p.Thr3676=; no amino-acid change (threonine 3676 retained).
Molecular consequence: synonymous variant. On other transcripts: intron variant (5).
Genome position (GRCh38, 1-based): chr2:178,756,448, C>T on the plus strand (G>A on the coding strand, the complement: TTN is on the minus strand). VCF-style: chr2-178756448-C-T. GRCh37 (hg19) VCF-style: chr2-179621175-C-T.
Other names: c.10515G>A, p.Thr3505= (NM_133437.4); c.10165+2536G>A (NM_003319.4); c.10540+1094G>A (NM_133432.3); c.10303+2536G>A (NM_133378.4, NM_001256850.1, NM_133379.5).
Identifiers: ClinVar variation 2931368 (VCV002931368.20), dbSNP rs566456478, ClinGen allele CA2004001.
Genomic context (GRCh38, chr2:178,756,448, plus strand): 5'-TTCGTGAGTCCAGGTTACATCAATGAAAGAATCATCTTTTAAAACACAGAGGAATTGAGC[C>T]GTGTCACCGCACTTTACAGTGACGTCCTGAAGATGCAGGAAAATCTTGGGCGCCTCACCC-3'
Protein context (NP_001254479.2, residues 3666-3686): LQDVTVKCGD[Thr3676=]AQFLCVLKDD